The following is an entry in ClinVar:

ClinVar aggregate classification (germline): Likely pathogenic (1 of 4 stars; one submission).

Conditions:
Bilateral frontoparietal polymicrogyria. Also called: CEREBELLAR ATAXIA WITH NEURONAL MIGRATION DEFECT; CORTICAL DYSPLASIA, COMPLEX, WITH OTHER BRAIN MALFORMATIONS 14A (BILATERAL FRONTOPARIETAL). Identifiers: Orphanet 101070, MedGen C1847352, MONDO:0011738, OMIM 606854.

Submission:

Natera, Inc.
Classification: Likely pathogenic for Bilateral frontoparietal polymicrogyria. Last evaluated: 2024-09-27. Review status: criteria provided, single submitter. Criteria: Natera Variant Classification Schema (03/2026). Collection method: clinical testing. Allele origin: germline.
Comment: The c.1064-1G>A variant in ADGRG1 is a canonical splice acceptor site variant predicted to affect pre-mRNA splicing, which may result in an abnormal transcript and altered protein product. This variant is expected to result in nonsense mediated decay, truncation, or a dysfunctional protein product. This variant is rare in the general population with a frequency below the threshold expected for the associated phenotype(s). Given the available evidence, this variant is classified as Likely Pathogenic.

NM_201525.4(ADGRG1):c.1064-1G>A

Gene: ADGRG1 (adhesion G protein-coupled receptor G1; plus strand). Cytogenetic location: 16q21.
Variant type: single nucleotide variant.
Coding change: c.1064-1G>A on transcript NM_201525.4 (MANE Select); the canonical splice acceptor site of the intron before coding-DNA position 1064, G replaced by A.
Molecular consequence: splice acceptor variant.
Genome position (GRCh38, 1-based): chr16:57,656,513, G>A. VCF-style: chr16-57656513-G-A. GRCh37 (hg19) VCF-style: chr16-57690425-G-A.
Other names: c.1064-1G>A (NM_001370440.1, NM_001370428.1, NM_001370436.1 and 14 more transcripts); c.554-1G>A (NM_001290142.2); c.539-1G>A (NM_001370451.1, NM_001290143.2, NM_001370453.1 and 2 more transcripts); c.1061-1G>A (NM_001370434.1, NM_001370441.1); c.908-1G>A (NM_001370442.1); c.1079-1G>A (NM_001370433.1, NM_001145773.3).
Identifiers: ClinVar variation 4815444 (VCV004815444.1).